The following is an entry in ClinVar:

ClinVar aggregate classification (germline): Uncertain significance. Review status: criteria provided, multiple submitters, no conflicts (2 of 4 stars). 3 submissions from 3 submitters: Uncertain significance (3). Last evaluated 2025-08-27.

Conditions:
WDPCP-related disorder. Also called: WDPCP-related condition.
Inborn genetic diseases. Identifiers: MedGen C0950123, MeSH D030342.
Bardet-Biedl syndrome (BBS). Identifiers: Orphanet 110, MedGen C0752166, MONDO:0015229.

Allele frequency attached by ClinVar (database versions not stated): gnomAD exomes below 0.00001; TOPMed below 0.00001; ExAC 0.00001.

Submissions (3):

Ambry Genetics
Classification: Uncertain significance for Inborn genetic diseases. Last evaluated: 2025-08-27. Review status: criteria provided, single submitter. Criteria: Ambry Variant Classification Scheme 2023. Collection method: clinical testing. Allele origin: germline.

PreventionGenetics, part of Exact Sciences
Classification: Uncertain significance for WDPCP-related condition. Last evaluated: 2025-05-28. Review status: criteria provided, single submitter. Criteria: ACMG Guidelines, 2015. Collection method: clinical testing. Allele origin: germline.
Comment: The WDPCP c.1028G>A variant is predicted to result in the amino acid substitution p.Cys343Tyr. To our knowledge, this variant has not been reported in the literature. This variant is reported in 0.0029% of alleles in individuals of Latino descent in gnomAD. At this time, the clinical significance of this variant is uncertain due to the absence of conclusive functional and genetic evidence.

Labcorp Genetics (formerly Invitae), Labcorp
Classification: Uncertain significance for Bardet-Biedl syndrome. Last evaluated: 2025-03-17. Review status: criteria provided, single submitter. Criteria: Invitae Variant Classification Sherloc (09022015). Collection method: clinical testing. Allele origin: germline.
Comment: This sequence change replaces cysteine, which is neutral and slightly polar, with tyrosine, which is neutral and polar, at codon 343 of the WDPCP protein (p.Cys343Tyr). This variant is present in population databases (rs755715881, gnomAD 0.003%). This variant has not been reported in the literature in individuals affected with WDPCP-related conditions. ClinVar contains an entry for this variant (Variation ID: 959729). Invitae Evidence Modeling of protein sequence and biophysical properties (such as structural, functional, and spatial information, amino acid conservation, physicochemical variation, residue mobility, and thermodynamic stability) has been performed for this missense variant. However, the output from this modeling did not meet the statistical confidence thresholds required to predict the impact of this variant on WDPCP protein function. In summary, the available evidence is currently insufficient to determine the role of this variant in disease. Therefore, it has been classified as a Variant of Uncertain Significance.

NM_015910.7(WDPCP):c.1028G>A (p.Cys343Tyr)

Gene: WDPCP (WD repeat containing planar cell polarity effector; minus strand). Cytogenetic location: 2p15.
Variant type: single nucleotide variant.
Coding change: c.1028G>A on transcript NM_015910.7 (MANE Select); coding-DNA position 1028, G replaced by A.
Protein change: p.Cys343Tyr; replaces cysteine 343 with tyrosine.
Molecular consequence: missense variant. On other transcripts: non-coding transcript variant (3).
Genome position (GRCh38, 1-based): chr2:63,404,455, C>T on the plus strand (G>A on the coding strand, the complement: WDPCP is on the minus strand). VCF-style: chr2-63404455-C-T. GRCh37 (hg19) VCF-style: chr2-63631590-C-T.
Other names: c.551G>A, p.Cys184Tyr (NM_001042692.3); c.956G>A, p.Cys319Tyr (NM_001354044.2); c.1028G>A, p.Cys343Tyr (NM_001354045.2); short protein forms C343Y, C319Y, C184Y.
Identifiers: ClinVar variation 959729 (VCV000959729.9), dbSNP rs755715881, ClinGen allele CA1682299.